The following is an entry in ClinVar:

ClinVar aggregate classification (germline): Uncertain significance (1 of 4 stars; one submission).

Conditions:
Hereditary cancer-predisposing syndrome. Also called: Neoplastic Syndromes, Hereditary; Tumor predisposition; Hereditary neoplastic syndrome; Hereditary Cancer Syndrome. Identifiers: Orphanet 140162, MedGen C0027672, MeSH D009386, MONDO:0015356.

Submission:

Ambry Genetics
Classification: Uncertain significance for Hereditary cancer-predisposing syndrome. Last evaluated: 2024-02-20. Review status: criteria provided, single submitter. Criteria: Ambry Variant Classification Scheme 2023. Collection method: clinical testing. Allele origin: germline.
Comment: The p.Q537P variant (also known as c.1610A>C), located in coding exon 4 of the MET gene, results from an A to C substitution at nucleotide position 1610. The glutamine at codon 537 is replaced by proline, an amino acid with similar properties. This amino acid position is conserved. In addition, this alteration is predicted to be tolerated by in silico analysis. Based on the available evidence, the clinical significance of this alteration remains unclear.

NM_000245.4(MET):c.1610A>C (p.Gln537Pro)

Gene: MET (MET proto-oncogene, receptor tyrosine kinase; plus strand). Cytogenetic location: 7q31.2.
Variant type: single nucleotide variant.
Coding change: c.1610A>C on transcript NM_000245.4 (MANE Select); coding-DNA position 1610, A replaced by C.
Protein change: p.Gln537Pro; replaces glutamine 537 with proline.
Molecular consequence: missense variant.
Genome position (GRCh38, 1-based): chr7:116,740,934, A>C. VCF-style: chr7-116740934-A-C. GRCh37 (hg19) VCF-style: chr7-116380988-A-C.
Other names: c.1610A>C, p.Gln537Pro (NM_001127500.3, NM_001324401.3); c.320A>C, p.Gln107Pro (NM_001324402.2); short protein forms Q107P, Q537P.
Identifiers: ClinVar variation 3232913 (VCV003232913.1), dbSNP rs2116835879, ClinGen allele CA368975437.
Genomic context (GRCh38, chr7:116,740,934, plus strand): 5'-GCTTGGGCTGCAGACATTTCCAGTCCTGCAGTCAATGCCTCTCTGCCCCACCCTTTGTTC[A>C]GTGTGGCTGGTGCCACGACAAATGTGTGCGATCGGAGGAATGCCTGAGCGGGACATGGAC-3'
Protein context (NP_000236.2, residues 527-547): SQCLSAPPFV[Gln537Pro]CGWCHDKCVR